The following is an entry in ClinVar:

ClinVar aggregate classification (germline): Uncertain significance (1 of 4 stars; one submission).

Conditions:
Hypomyelination and Congenital Cataract (HLD5). Also called: hypomyelinating leukodystrophy 5. Identifiers: Orphanet 85163, MedGen C1864663, MONDO:0012514, OMIM 610532.

Allele frequency attached by ClinVar (database versions not stated): gnomAD exomes below 0.00001.
gnomAD v4.1: 1 of 1,609,724 alleles (0.000062%); highest among the groups gnomAD compares: Non-Finnish European, 0.000085%; no homozygotes.

Submission:

Labcorp Genetics (formerly Invitae), Labcorp
Classification: Uncertain significance for Hypomyelination and Congenital Cataract. Last evaluated: 2021-03-24. Review status: criteria provided, single submitter. Criteria: Invitae Variant Classification Sherloc (09022015). Collection method: clinical testing. Allele origin: germline.
Comment: This sequence change replaces leucine with serine at codon 181 of the FAM126A protein (p.Leu181Ser). The leucine residue is highly conserved and there is a large physicochemical difference between leucine and serine. This variant is not present in population databases (ExAC no frequency). This variant has not been reported in the literature in individuals with FAM126A-related conditions. Algorithms developed to predict the effect of missense changes on protein structure and function (SIFT, PolyPhen-2, Align-GVGD) all suggest that this variant is likely to be disruptive, but these predictions have not been confirmed by published functional studies and their clinical significance is uncertain. In summary, the available evidence is currently insufficient to determine the role of this variant in disease. Therefore, it has been classified as a Variant of Uncertain Significance.

NM_032581.4(HYCC1):c.542T>C (p.Leu181Ser)

Gene: HYCC1 (hyccin PI4KA lipid kinase complex subunit 1; minus strand). Cytogenetic location: 7p15.3.
Variant type: single nucleotide variant.
Coding change: c.542T>C on transcript NM_032581.4 (MANE Select); coding-DNA position 542, T replaced by C.
Protein change: p.Leu181Ser; replaces leucine 181 with serine.
Molecular consequence: missense variant.
Genome position (GRCh38, 1-based): chr7:22,976,294, A>G on the plus strand (T>C on the coding strand, the complement: HYCC1 is on the minus strand). VCF-style: chr7-22976294-A-G. GRCh37 (hg19) VCF-style: chr7-23015913-A-G.
Other names: c.542T>C, p.Leu181Ser (NM_001363466.2, NM_001363467.2); short protein forms L181S.
Identifiers: ClinVar variation 1463500 (VCV001463500.8), dbSNP rs767500992, ClinGen allele CA155232563.